The following is an entry in ClinVar:

NC_000023.10:g.(?_24483573)_(25033854_?)dup

Genes: ARX (aristaless related homeobox; minus strand), PCYT1B (phosphate cytidylyltransferase 1B, choline; minus strand), PDK3 (pyruvate dehydrogenase kinase 3; plus strand), POLA1 (DNA polymerase alpha 1, catalytic subunit; plus strand). Cytogenetic location: Xp22.11-21.3.
Variant type: Duplication.
Identifiers: ClinVar variation 2426315 (VCV002426315.2).

ClinVar aggregate classification (germline): Uncertain significance (1 of 4 stars; one submission).

Submission:

Labcorp Genetics (formerly Invitae), Labcorp
Classification: Uncertain significance. Last evaluated: 2022-04-25. Review status: criteria provided, single submitter. Criteria: Invitae Variant Classification Sherloc (09022015). Collection method: clinical testing. Allele origin: germline.
Comment: A copy number gain of the genomic region encompassing the full coding sequence of the POLA1 gene has been identified. The boundaries of this event are unknown as they extend beyond the assayed region for this gene and therefore may encompass additional genes. As the precise location of this event is unknown, it may be in tandem or it may be located elsewhere in the genome. This variant has not been reported in the literature in individuals affected with POLA1-related conditions. In summary, the available evidence is currently insufficient to determine the role of this variant in disease. Therefore, it has been classified as a Variant of Uncertain Significance.